The following is an entry in ClinVar:

NM_005629.4(SLC6A8):c.1037TCA[1] (p.Ile347del)

Gene: SLC6A8 (solute carrier family 6 member 8; plus strand). Cytogenetic location: Xq28.
Variant type: Microsatellite.
Coding change: c.1037TCA[1] on transcript NM_005629.4 (MANE Select); one copy of the 3-base unit TCA starting at c.1037; the reference has two copies in a row; one copy, 3 bases deleted.
Protein change: p.Ile347del; deletes isoleucine 347.
Molecular consequence: inframe deletion. On other transcripts: intron variant (1).
Genome position (GRCh38, 1-based): chrX:153,693,485-153,693,487, TCA deleted; deleting any 3 consecutive bases within chrX:153,693,482-153,693,487 gives the same sequence; the position shown is the placement nearest the transcript's 3' end. VCF-style (leftmost placement, unchanged base first): chrX-153693481-CTCA-C. GRCh37 (hg19) VCF-style: chrX-152958936-CTCA-C.
Other names: NM_001142805.2:c.1017-7_1017-5del; c.692TCA[1], p.Ile232del (NM_001142806.1); c.1017-7_1017-5del (NM_001142805.2); short protein forms I232del, I347del.
Identifiers: ClinVar variation 5016675 (VCV005016675.1).

ClinVar aggregate classification (germline): Uncertain significance (3 of 4 stars; one submission).

Conditions:
Creatine transporter deficiency (CCDS1). Also called: Mental retardation , X-linked with seizures, short stature and midface hypoplasia; Mental retardation , X-linked, with creatine transport deficiency; X-linked creatine transporter deficiency; X-linked creatine deficiency syndrome; SLC6A8-Related Creatine Transporter Deficiency; CREATINE TRANSPORTER DEFECT. Identifiers: Orphanet 52503, MedGen C1845862, MONDO:0010305, OMIM 300352.

Submission:

ClinGen Cerebral Creatine Deficiency Syndromes Variant Curation Expert Panel, ClinGen
Classification: Uncertain significance for Creatine transporter deficiency. Last evaluated: 2026-08-12. Review status: reviewed by expert panel. Criteria: ClinGen CCDS ACMG Specifications SLC6A8 V2.1. Collection method: curation. Allele origin: germline. Inheritance: X-linked inheritance.
Comment: The NM_005629.4:c.1040_1042del variant in SLC6A8 is a deletion of 3 nucelotides within exon 7/13 of the SLC6A8 gene and is predicted to lead to an in-frame deletion of 1 amino acid (p.Ile347del) (PM4). This variant was reported to result in reduced (<10% of wild-type) creatine transport activity in SLC6A8 deficient fibroblasts (PMID: 17465020) (PS3_Supporting). The variant is absent in gnomAD v4.1.0 (PM2_Supporting). There is no ClinVar entry for this variant. In summary, while there is some suspicion for a pathogenic role, this variant currently meets criteria to be classified as a variant of uncertain significance for creatine transporter deficiency. SLC6A8-specific criteria applied, as specified by the ClinGen Cerebral Creatine Deficiency Variant Curation Expert Panel (Specifications Version 2.1.0): PS3_Supporting, PM2_Supporting, PM4, PP4. (Classification approved by the ClinGen Cerebral Creatine Deficiency Variant Curation Expert Panel on August 12, 2026)

Literature cited by the submitters: PubMed 17465020.